The following is an entry in ClinVar:

NM_000642.3(AGL):c.2648A>G (p.Asn883Ser)

Gene: AGL (amylo-alpha-1,6-glucosidase and 4-alpha-glucanotransferase; plus strand). Cytogenetic location: 1p21.2.
Variant type: single nucleotide variant.
Coding change: c.2648A>G on transcript NM_000642.3 (MANE Select); coding-DNA position 2648, A replaced by G.
Protein change: p.Asn883Ser; replaces asparagine 883 with serine.
Molecular consequence: missense variant.
Genome position (GRCh38, 1-based): chr1:99,884,670, A>G. VCF-style: chr1-99884670-A-G. GRCh37 (hg19) VCF-style: chr1-100350226-A-G.
Other names: c.2648A>G, p.Asn883Ser (NM_000028.3, NM_000643.3, NM_000644.3 and 2 more transcripts); c.2600A>G, p.Asn867Ser (NM_000646.3); c.2447A>G, p.Asn816Ser (NM_001425327.1); c.2444A>G, p.Asn815Ser (NM_001425328.1); c.2270A>G, p.Asn757Ser (NM_001425332.1); short protein forms N883S, N867S, N757S, N815S, N816S.
Identifiers: ClinVar variation 1385007 (VCV001385007.5), dbSNP rs754212372, ClinGen allele CA966845.
Genomic context (GRCh38, chr1:99,884,670, plus strand): 5'-TTCGAAATCATCTGACACAATTCAGTCCTCACTTTAAATCTGGCAGCCTAGCTGTTGACA[A>G]TGCAGATCCTATATTAAAAATTCCTTTTGCTTCGTAAGTATGCCTTGTTTGGTAGAGATT-3'
Protein context (NP_000633.2, residues 873-893): HFKSGSLAVD[Asn883Ser]ADPILKIPFA

ClinVar aggregate classification (germline): Uncertain significance (1 of 4 stars; one submission).

Conditions:
Glycogen storage disease type III (GSD3). Also called: Cori disease; FORBES DISEASE. Identifiers: Orphanet 366, MedGen C0017922, MONDO:0009291, OMIM 232400.

Allele frequency attached by ClinVar (database versions not stated): gnomAD 0.00001; gnomAD exomes 0.00001 and 0.00002; TOPMed 0.00001; ExAC 0.00003.
gnomAD v4.1: 9 of 1,613,896 alleles (0.00056%); highest among the groups gnomAD compares: Admixed American, 0.0083%; no homozygotes.

Submission:

Labcorp Genetics (formerly Invitae), Labcorp
Classification: Uncertain significance for Glycogen storage disease type III. Last evaluated: 2022-11-01. Review status: criteria provided, single submitter. Criteria: Invitae Variant Classification Sherloc (09022015). Collection method: clinical testing. Allele origin: germline.
Comment: This sequence change replaces asparagine, which is neutral and polar, with serine, which is neutral and polar, at codon 883 of the AGL protein (p.Asn883Ser). This variant is present in population databases (rs754212372, gnomAD 0.009%). This variant has not been reported in the literature in individuals affected with AGL-related conditions. ClinVar contains an entry for this variant (Variation ID: 1385007). Algorithms developed to predict the effect of missense changes on protein structure and function output the following: SIFT: "Tolerated"; PolyPhen-2: "Benign"; Align-GVGD: "Class C0". The serine amino acid residue is found in multiple mammalian species, which suggests that this missense change does not adversely affect protein function. In summary, the available evidence is currently insufficient to determine the role of this variant in disease. Therefore, it has been classified as a Variant of Uncertain Significance.